The following is an entry in ClinVar:

ClinVar aggregate classification (germline): Uncertain significance (1 of 4 stars; one submission).

Allele frequency attached by ClinVar (database versions not stated): gnomAD exomes below 0.00001; gnomAD 0.00002; TOPMed 0.00002.

Submission:

Labcorp Genetics (formerly Invitae), Labcorp
Classification: Uncertain significance. Last evaluated: 2020-09-16. Review status: criteria provided, single submitter. Criteria: Invitae Variant Classification Sherloc (09022015). Collection method: clinical testing. Allele origin: germline.
Comment: In summary, the available evidence is currently insufficient to determine the role of this variant in disease. Therefore, it has been classified as a Variant of Uncertain Significance. Algorithms developed to predict the effect of sequence changes on RNA splicing suggest that this variant may disrupt the consensus splice site, but this prediction has not been confirmed by published transcriptional studies. This variant has not been reported in the literature in individuals with RBP4-related conditions. This variant is not present in population databases (ExAC no frequency). This sequence change affects codon 37 of the RBP4 mRNA. It is a 'silent' change, meaning that it does not change the encoded amino acid sequence of the RBP4 protein.

NM_006744.4(RBP4):c.111C>T (p.Arg37=)

Gene: RBP4 (retinol binding protein 4; minus strand). Cytogenetic location: 10q23.33.
Variant type: single nucleotide variant.
Coding change: c.111C>T on transcript NM_006744.4 (MANE Select); coding-DNA position 111, C replaced by T.
Protein change: p.Arg37=; no amino-acid change (arginine 37 retained).
Molecular consequence: synonymous variant.
Genome position (GRCh38, 1-based): chr10:93,600,918, G>A on the plus strand (C>T on the coding strand, the complement: RBP4 is on the minus strand). VCF-style: chr10-93600918-G-A. GRCh37 (hg19) VCF-style: chr10-95360675-G-A.
Other names: c.111C>T, p.Arg37= (NM_001323517.1); c.105C>T, p.Arg35= (NM_001323518.2).
Identifiers: ClinVar variation 837218 (VCV000837218.9), dbSNP rs1468505062, ClinGen allele CA470984556.